The following is an entry in ClinVar:

NM_004706.4(ARHGEF1):c.1331A>T (p.Gln444Leu)

Gene: ARHGEF1 (Rho guanine nucleotide exchange factor 1; plus strand). Cytogenetic location: 19q13.2.
Variant type: single nucleotide variant.
Coding change: c.1331A>T on transcript NM_004706.4 (MANE Select); coding-DNA position 1331, A replaced by T.
Protein change: p.Gln444Leu; replaces glutamine 444 with leucine.
Molecular consequence: missense variant. On other transcripts: non-coding transcript variant (2).
Genome position (GRCh38, 1-based): chr19:41,901,950, A>T. VCF-style: chr19-41901950-A-T. GRCh37 (hg19) VCF-style: chr19-42406100-A-T.
Other names: c.1499A>T, p.Gln500Leu (NM_001396000.1); c.1232A>T, p.Gln411Leu (NM_001396002.1, NM_001396004.1, NM_198977.2); c.1331A>T, p.Gln444Leu (NM_001396003.1, NM_001396006.1); c.1376A>T, p.Gln459Leu (NM_199002.2); short protein forms Q444L, Q411L, Q459L, Q500L.
Identifiers: ClinVar variation 3009018 (VCV003009018.3), dbSNP rs781999337, ClinGen allele CA9466339.
Genomic context (GRCh38, chr19:41,901,950, plus strand): 5'-TGCTGGTGACAGAGGCGGCCCACGTGCGCATGCTGCGGGTGCTGCACGACCTCTTCTTCC[A>T]GCCCATGGCAGAATGCCTGTTCTTCCCCTTGGAGGAGCTGCAGAACATCTTCCCCAGCCT-3'
Protein context (NP_004697.2, residues 434-454): MLRVLHDLFF[Gln444Leu]PMAECLFFPL

ClinVar aggregate classification (germline): Uncertain significance (1 of 4 stars; one submission).

Allele frequency attached by ClinVar (database versions not stated): ExAC 0.00005; gnomAD exomes 0.00002; gnomAD 0.00003.
gnomAD v4.1: 37 of 1,614,012 alleles (0.0023%); highest among the groups gnomAD compares: Middle Eastern, 0.05%; 2 homozygotes.

Submission:

Labcorp Genetics (formerly Invitae), Labcorp
Classification: Uncertain significance. Last evaluated: 2025-03-05. Review status: criteria provided, single submitter. Criteria: Invitae Variant Classification Sherloc (09022015). Collection method: clinical testing. Allele origin: germline.
Comment: This sequence change replaces glutamine, which is neutral and polar, with leucine, which is neutral and non-polar, at codon 459 of the ARHGEF1 protein (p.Gln459Leu). This variant is present in population databases (rs781999337, gnomAD 0.04%). This variant has not been reported in the literature in individuals affected with ARHGEF1-related conditions. ClinVar contains an entry for this variant (Variation ID: 3009018). An algorithm developed to predict the effect of missense changes on protein structure and function (PolyPhen-2) suggests that this variant is likely to be disruptive. In summary, the available evidence is currently insufficient to determine the role of this variant in disease. Therefore, it has been classified as a Variant of Uncertain Significance.